The following is an entry in ClinVar:

NM_001105206.3(LAMA4):c.4751C>T (p.Ala1584Val)

Gene: LAMA4 (laminin subunit alpha 4; minus strand). Cytogenetic location: 6q21.
Variant type: single nucleotide variant.
Coding change: c.4751C>T on transcript NM_001105206.3 (MANE Select); coding-DNA position 4751, C replaced by T.
Protein change: p.Ala1584Val; replaces alanine 1584 with valine.
Molecular consequence: missense variant.
Genome position (GRCh38, 1-based): chr6:112,119,226, G>A on the plus strand (C>T on the coding strand, the complement: LAMA4 is on the minus strand). VCF-style: chr6-112119226-G-A. GRCh37 (hg19) VCF-style: chr6-112440429-G-A.
Other names: c.4730C>T, p.Ala1577Val (NM_001105207.3, NM_002290.5); short protein forms A1577V, A1584V.
Identifiers: ClinVar variation 1742719 (VCV001742719.2), dbSNP rs2114583283, ClinGen allele CA365368175.
Genomic context (GRCh38, chr6:112,119,226, plus strand): 5'-TTCACAGCCTTTCCAGGAGCCACACCTCCCAAATAAATGGGACCCTTGATTTTCCAGGTA[G>A]CTTCAGTAGGAGGAAGACTTTCTTCTAGGACTCGGAGACCATCAATTACCAGTCGGCCAC-3'
Protein context (NP_001098676.2, residues 1574-1594): VLEESLPPTE[Ala1584Val]TWKIKGPIYL

ClinVar aggregate classification (germline): Uncertain significance (1 of 4 stars; one submission).

Conditions:
Cardiovascular phenotype. Identifiers: MedGen CN230736.

Allele frequency attached by ClinVar (database versions not stated): gnomAD exomes below 0.00001.
gnomAD v4.1: 3 of 1,614,016 alleles (0.00019%); highest among the groups gnomAD compares: Non-Finnish European, 0.00025%; no homozygotes.

Submission:

Ambry Genetics
Classification: Uncertain significance for Cardiovascular phenotype. Last evaluated: 2022-10-17. Review status: criteria provided, single submitter. Criteria: Ambry Variant Classification Scheme 2023. Collection method: clinical testing. Allele origin: germline.
Comment: The p.A1577V variant (also known as c.4730C>T), located in coding exon 33 of the LAMA4 gene, results from a C to T substitution at nucleotide position 4730. The alanine at codon 1577 is replaced by valine, an amino acid with similar properties. This amino acid position is conserved. In addition, this alteration is predicted to be tolerated by in silico analysis. Since supporting evidence is limited at this time, the clinical significance of this alteration remains unclear.